The following is an entry in ClinVar:

NM_033380.3(COL4A5):c.2473G>T (p.Gly825Ter)

Gene: COL4A5 (collagen type IV alpha 5 chain; plus strand). Cytogenetic location: Xq22.3.
Variant type: single nucleotide variant.
Coding change: c.2473G>T on transcript NM_033380.3 (MANE Select); coding-DNA position 2473, G replaced by T.
Protein change: p.Gly825Ter; replaces glycine 825 with a stop codon.
Molecular consequence: nonsense.
Genome position (GRCh38, 1-based): chrX:108,614,988, G>T. VCF-style: chrX-108614988-G-T. GRCh37 (hg19) VCF-style: chrX-107858218-G-T.
Other names: c.2473G>T, p.Gly825Ter (NM_000495.5); short protein forms G825*.
Identifiers: ClinVar variation 4532141 (VCV004532141.1), dbSNP rs281874692.

ClinVar aggregate classification (germline): Pathogenic (1 of 4 stars; one submission).

Conditions:
X-linked Alport syndrome (ATS1). Also called: NEPHROPATHY AND DEAFNESS, X-LINKED; COL4A5-Related Nephropathy. Identifiers: Orphanet 63, Orphanet 88917, MedGen C4746986, MONDO:0010520, OMIM 301050.

Submission:

Victorian Clinical Genetics Services, Murdoch Childrens Research Institute
Classification: Pathogenic for X-linked Alport syndrome. Last evaluated: 2025-06-02. Review status: criteria provided, single submitter. Criteria: ACMG Guidelines, 2015. Collection method: clinical testing. Allele origin: germline. Affected: no.
Comment: This variant is classified as Pathogenic. Evidence in support of pathogenic classification: Variant is predicted to cause nonsense-mediated decay (NMD) and loss of protein (premature termination codon is located at least 54 nucleotides upstream of the final exon-exon junction); Variant is absent from gnomAD (v2, v3 and v4); This variant has limited previous evidence of pathogenicity in an unrelated individual(s). It has been reported in a cohort of individuals with X-linked Alport syndrome (PMID: 19965530); Other NMD-predicted variant(s) comparable to the one identified in this case have very strong previous evidence for pathogenicity (DECIPHER). Additional information: This variant is heterozygous; This gene is associated with X-linked dominant disease. Males are typically more severely affected than females (PMID: 19965530); No published segregation evidence has been identified for this variant; No published functional evidence has been identified for this variant; Dominant negative and loss of function are known mechanisms of disease in this gene and are associated with X-linked Alport syndrome 1 (MIM#301050). Dominant negative is caused mostly by glycine substitutions that affect the conformation of the protein, and loss of function can be caused by either protein truncating or missense variants (PMID: 24046192, 12028435).

Literature cited by the submitters: PubMed 19965530; PubMed 24046192; PubMed 12028435.